The following is an entry in ClinVar:

ClinVar aggregate classification (germline): Uncertain significance (1 of 4 stars; one submission).

Submission:

Labcorp Genetics (formerly Invitae), Labcorp
Classification: Uncertain significance. Last evaluated: 2025-03-05. Review status: criteria provided, single submitter. Criteria: Invitae Variant Classification Sherloc (09022015). Collection method: clinical testing. Allele origin: germline.
Comment: This sequence change replaces glutamine, which is neutral and polar, with histidine, which is basic and polar, at codon 255 of the TCF20 protein (p.Gln255His). This variant is not present in population databases (gnomAD no frequency). This variant has not been reported in the literature in individuals affected with TCF20-related conditions. An algorithm developed to predict the effect of missense changes on protein structure and function (PolyPhen-2) suggests that this variant is likely to be disruptive. In summary, the available evidence is currently insufficient to determine the role of this variant in disease. Therefore, it has been classified as a Variant of Uncertain Significance.

NM_001378418.1(TCF20):c.765G>T (p.Gln255His)

Gene: TCF20 (transcription factor 20; minus strand). Cytogenetic location: 22q13.2.
Variant type: single nucleotide variant.
Coding change: c.765G>T on transcript NM_001378418.1 (MANE Select); coding-DNA position 765, G replaced by T.
Protein change: p.Gln255His; replaces glutamine 255 with histidine.
Molecular consequence: missense variant.
Genome position (GRCh38, 1-based): chr22:42,214,541, C>A on the plus strand (G>T on the coding strand, the complement: TCF20 is on the minus strand). VCF-style: chr22-42214541-C-A. GRCh37 (hg19) VCF-style: chr22-42610547-C-A.
Other names: c.765G>T, p.Gln255His (NM_005650.4, NM_181492.3); short protein forms Q255H.
Identifiers: ClinVar variation 4712970 (VCV004712970.1).
Genomic context (GRCh38, chr22:42,214,541, plus strand): 5'-GTGTCCTTCATACTGAGATCCAGCATTCACATTGTAACTGCCATCATAGCTCTGTCCAGA[C>A]TGGCTAAAACGCTGTGGTGAAGGGAAGGAGGAGGAGGAGGAGGAGGAAGCAGAAGACTGA-3'
Protein context (NP_001365347.1, residues 245-265): SSFPSPQRFS[Gln255His]SGQSYDGSYN